The following is an entry in ClinVar:

ClinVar aggregate classification (germline): Uncertain significance. Review status: criteria provided, multiple submitters, no conflicts (2 of 4 stars). 2 submissions from 2 submitters: Uncertain significance (2). Last evaluated 2025-12-22.

Conditions:
Hereditary cancer-predisposing syndrome. Also called: Tumor predisposition; Hereditary Cancer Syndrome; Neoplastic Syndromes, Hereditary; Hereditary neoplastic syndrome. Identifiers: Orphanet 140162, MedGen C0027672, MeSH D009386, MONDO:0015356.
Neuroblastoma, susceptibility to, 3. Also called: ALK-Related Neuroblastic Tumor Susceptibility. Identifiers: Orphanet 635, MedGen C2751681, MONDO:0013083, OMIM 613014.

Allele frequency attached by ClinVar (database versions not stated): gnomAD 0.00001; gnomAD exomes 0.00001 and 0.00002; TOPMed 0.00001; ExAC 0.00003; ESP Exome Variant Server 0.00015.
gnomAD v4.1: 18 of 1,614,040 alleles (0.0011%); highest among the groups gnomAD compares: South Asian, 0.0044%; no homozygotes.

Submissions (2):

Labcorp Genetics (formerly Invitae), Labcorp
Classification: Uncertain significance for Neuroblastoma, susceptibility to, 3. Last evaluated: 2025-12-22. Review status: criteria provided, single submitter. Criteria: Invitae Variant Classification Sherloc (09022015). Collection method: clinical testing. Allele origin: germline.
Comment: This sequence change replaces glutamic acid, which is acidic and polar, with lysine, which is basic and polar, at codon 994 of the ALK protein (p.Glu994Lys). This variant is present in population databases (rs150344432, gnomAD 0.006%). This variant has not been reported in the literature in individuals affected with ALK-related conditions. ClinVar contains an entry for this variant (Variation ID: 864661). An algorithm developed to predict the effect of missense changes on protein structure and function (PolyPhen-2) suggests that this variant is likely to be disruptive. In summary, the available evidence is currently insufficient to determine the role of this variant in disease. Therefore, it has been classified as a Variant of Uncertain Significance.

Ambry Genetics
Classification: Uncertain significance for Hereditary cancer-predisposing syndrome. Last evaluated: 2025-04-28. Review status: criteria provided, single submitter. Criteria: Ambry Variant Classification Scheme 2023. Collection method: clinical testing. Allele origin: germline.
Comment: The p.E994K variant (also known as c.2980G>A), located in coding exon 18 of the ALK gene, results from a G to A substitution at nucleotide position 2980. The glutamic acid at codon 994 is replaced by lysine, an amino acid with similar properties. This amino acid position is conserved. In addition, the in silico prediction for this alteration is inconclusive. Based on the available evidence, the clinical significance of this variant remains unclear.

NM_004304.5(ALK):c.2980G>A (p.Glu994Lys)

Gene: ALK (ALK receptor tyrosine kinase; minus strand). Cytogenetic location: 2p23.2.
Variant type: single nucleotide variant.
Coding change: c.2980G>A on transcript NM_004304.5 (MANE Select); coding-DNA position 2980, G replaced by A.
Protein change: p.Glu994Lys; replaces glutamic acid 994 with lysine.
Molecular consequence: missense variant.
Genome position (GRCh38, 1-based): chr2:29,227,009, C>T on the plus strand (G>A on the coding strand, the complement: ALK is on the minus strand). VCF-style: chr2-29227009-C-T. GRCh37 (hg19) VCF-style: chr2-29449875-C-T.
Other names: short protein forms E994K.
Identifiers: ClinVar variation 864661 (VCV000864661.8), dbSNP rs150344432, ClinGen allele CA1594118.
Genomic context (GRCh38, chr2:29,227,009, plus strand): 5'-GCACCGTCCCGTGGTCACAGAAGCAGATGACCTTGTGGCTTTCAGGGTCCATGTGACATT[C>T]GTCTACCTCACAGTGACTGCAGTTTAGATAATGCTTAATATTCACTTCCCCGTGGCCTTC-3'
Protein context (NP_004295.2, residues 984-1004): YLNCSHCEVD[Glu994Lys]CHMDPESHKV